The following is an entry in ClinVar:

ClinVar aggregate classification (germline): Likely benign. Review status: criteria provided, multiple submitters, no conflicts (2 of 4 stars). 3 submissions from 3 submitters: Likely benign (3). Last evaluated 2023-06-01.

Conditions:
Inborn genetic diseases. Identifiers: MedGen C0950123, MeSH D030342.

Allele frequency attached by ClinVar (database versions not stated): ExAC 0.00004; TOPMed 0.00007; gnomAD 0.00011; gnomAD exomes 0.00016; ESP Exome Variant Server 0.00019.
gnomAD v4.1: 183 of 1,209,418 alleles (0.015%); highest among the groups gnomAD compares: Non-Finnish European, 0.019%; no homozygotes.

Submissions (3):

CeGaT Center for Human Genetics Tuebingen
Classification: Likely benign. Last evaluated: 2023-06-01. Review status: criteria provided, single submitter. Criteria: CeGaT Center For Human Genetics Tuebingen Variant Classification Criteria Version 2. Collection method: clinical testing. Allele origin: germline. Affected: yes. Observed: 2 variant alleles.
Comment: FGD1: BP4, BP7

Labcorp Genetics (formerly Invitae), Labcorp
Classification: Likely benign. Last evaluated: 2022-10-08. Review status: criteria provided, single submitter. Criteria: Invitae Variant Classification Sherloc (09022015). Collection method: clinical testing. Allele origin: germline.

Ambry Genetics
Classification: Likely benign for Inborn genetic diseases. Last evaluated: 2018-07-24. Review status: criteria provided, single submitter. Criteria: Ambry Variant Classification Scheme 2023. Collection method: clinical testing. Allele origin: germline.

NM_004463.3(FGD1):c.2631G>A (p.Pro877=)

Genes: FGD1 (FYVE, RhoGEF and PH domain containing 1; minus strand), TSR2 (TSR2 ribosome maturation factor; plus strand). Cytogenetic location: Xp11.22.
Variant type: single nucleotide variant.
Coding change: c.2631G>A on transcript NM_004463.3 (MANE Select); coding-DNA position 2631, G replaced by A.
Protein change: p.Pro877=; no amino-acid change (proline 877 retained).
Molecular consequence: synonymous variant. On other transcripts: 3 prime UTR variant (5).
Genome position (GRCh38, 1-based): chrX:54,446,364, C>T on the plus strand (G>A on the coding strand, the complement: FGD1 is on the minus strand). VCF-style: chrX-54446364-C-T. GRCh37 (hg19) VCF-style: chrX-54472797-C-T.
Other names: c.*1814C>T (NM_001346789.2, NM_001346790.2, NM_001346791.2 and 2 more transcripts).
Identifiers: ClinVar variation 1794059 (VCV001794059.31), dbSNP rs370717352, ClinGen allele CA10424906.